The following is an entry in ClinVar:

ClinVar aggregate classification (germline): Likely benign. Review status: criteria provided, multiple submitters, no conflicts (2 of 4 stars). 4 submissions from 4 submitters: Likely benign (4). Last evaluated 2025-12-03.

Conditions:
Cardiovascular phenotype. Identifiers: MedGen CN230736.
Cardiac arrhythmia. Also called: Arrhythmia; Cardiac rhythm disease. Identifiers: MedGen C0003811, MONDO:0007263, HP:0011675.
Long QT syndrome (LQTS). Identifiers: MedGen C0023976, MeSH D008133, MONDO:0002442. Disease mechanism: loss of function. Inheritance: Various modes of inheritance.

Allele frequency attached by ClinVar (database versions not stated): gnomAD exomes 0.00001 and 0.00002; TOPMed 0.00001; ExAC 0.00002.

Submissions (4):

Labcorp Genetics (formerly Invitae), Labcorp
Classification: Likely benign for Long QT syndrome. Last evaluated: 2025-12-03. Review status: criteria provided, single submitter. Criteria: Invitae Variant Classification Sherloc (09022015). Collection method: clinical testing. Allele origin: germline.

All of Us Research Program, National Institutes of Health
Classification: Likely benign for Long QT syndrome. Last evaluated: 2023-11-20. Review status: criteria provided, single submitter. Criteria: ACMG Guidelines, 2015. Collection method: clinical testing. Allele origin: germline. Inheritance: Autosomal dominant inheritance. Observed: 5 variant alleles, 5 heterozygotes.
Comment: This study involves interpretation of variants in research participants for the purpose of population health screening. Participant phenotype was not available at the time of variant classification. Additional details can be found in publication PMID: 35346344, PMCID: PMC8962531

Ambry Genetics
Classification: Likely benign for Cardiovascular phenotype. Last evaluated: 2022-11-17. Review status: criteria provided, single submitter. Criteria: Ambry Variant Classification Scheme 2023. Collection method: clinical testing. Allele origin: germline.

Color Diagnostics, LLC DBA Color Health
Classification: Likely benign for Arrhythmia. Last evaluated: 2020-02-19. Review status: criteria provided, single submitter. Criteria: ACMG Guidelines, 2015. Collection method: clinical testing. Allele origin: germline.

NM_000238.4(KCNH2):c.1374C>T (p.Ile458=)

Gene: KCNH2 (potassium voltage-gated channel subfamily H member 2; minus strand). Cytogenetic location: 7q36.1.
Variant type: single nucleotide variant.
Coding change: c.1374C>T on transcript NM_000238.4 (MANE Select); coding-DNA position 1374, C replaced by T.
Protein change: p.Ile458=; no amino-acid change (isoleucine 458 retained).
Molecular consequence: synonymous variant. On other transcripts: non-coding transcript variant (2).
Genome position (GRCh38, 1-based): chr7:150,952,608, G>A on the plus strand (C>T on the coding strand, the complement: KCNH2 is on the minus strand). VCF-style: chr7-150952608-G-A. GRCh37 (hg19) VCF-style: chr7-150649696-G-A.
Other names: c.354C>T, p.Ile118= (NM_001204798.2, NM_172057.3); c.1086C>T, p.Ile362= (NM_001406753.1, NM_001406756.1); c.1197C>T, p.Ile399= (NM_001406755.1); c.1074C>T, p.Ile358= (NM_001406757.1); c.1374C>T, p.Ile458= (NM_172056.3).
Identifiers: ClinVar variation 413327 (VCV000413327.19), dbSNP rs764322241, ClinGen allele CA027840.
Genomic context (GRCh38, chr7:150,952,608, plus strand): 5'-GGCATTGACGTAGGTGGTGCGGAAGTTGATGAGGATGTCCACAATGAACATGATGTCCAC[G>A]ATGAGGTCCACCACAGCCAGCGGCTGGCAGGCGTAGCCACACTCGGTAGCAGGCGGGCCT-3'
Protein context (NP_000229.1, residues 448-468): ACQPLAVVDL[Ile458=]VDIMFIVDIL